The following is an entry in ClinVar:

NM_002303.6(LEPR):c.3G>A (p.Met1Ile)

Gene: LEPR (leptin receptor; plus strand). Cytogenetic location: 1p31.3.
Variant type: single nucleotide variant.
Coding change: c.3G>A on transcript NM_002303.6 (MANE Select); coding-DNA position 3, G replaced by A.
Protein change: p.Met1Ile; changes the start codon (methionine 1).
Molecular consequence: missense variant, initiator codon variant.
Genome position (GRCh38, 1-based): chr1:65,565,568, G>A. VCF-style: chr1-65565568-G-A. GRCh37 (hg19) VCF-style: chr1-66031251-G-A.
Other names: c.3G>A, p.Met1Ile (NM_001003679.3, NM_001003680.3, NM_001198687.2 and 2 more transcripts); short protein forms M1I.
Identifiers: ClinVar variation 3357044 (VCV003357044.2).

ClinVar aggregate classification (germline): Likely pathogenic (1 of 4 stars; one submission).

Conditions:
LEPR-related disorder. Also called: LEPR-related disorders; LEPR-related condition.

Submission:

PreventionGenetics, part of Exact Sciences
Classification: Likely pathogenic for LEPR-related condition. Last evaluated: 2026-01-16. Review status: criteria provided, single submitter. Criteria: ACMG Guidelines, 2015. Collection method: clinical testing. Allele origin: germline.
Comment: The LEPR c.3G>A variant is predicted to disrupt the translation initiation site (Start Loss). This variant has been reported in the homozygous or heterozygous state in individuals with severe obesity (Courbage et al. 2021. PubMed ID: 34097736; Chase et al. 2025. PubMed ID: 40585884). In vitro functional studies showed strong evidence of loss of function (Supplemental Data Set, Shah et al. 2023. PubMed ID: 36864747). A different variant affecting the start codon (c.2T>C) has also been reported in the homozygous state in an individual with severe obesity (Saeed et al. 2020. PubMed ID: 32349990). This variant has not been reported in a large population database, indicating it is rare. This variant is interpreted as likely pathogenic.